The following is an entry in ClinVar:

ClinVar aggregate classification (germline): Pathogenic. Review status: criteria provided, multiple submitters, no conflicts (2 of 4 stars). 3 submissions from 3 submitters: Pathogenic (3). Last evaluated 2022-12-25.

Conditions:
Peroxisome biogenesis disorder due to PEX1 defect. Identifiers: MedGen CN305475, MONDO:0100259.
Zellweger spectrum disorders (ZS). Also called: Zellweger Spectrum Disorder; Zellweger Spectrum; Zellweger Spectrum Disorder (ZSD); Zellweger syndrome. Identifiers: Orphanet 912, MedGen C0043459, MONDO:0019609.

Allele frequency attached by ClinVar (database versions not stated): gnomAD below 0.00001 and 0.00001; gnomAD exomes below 0.00001 and 0.00001; ExAC 0.00001; 1000 Genomes Project 30x 0.00031.

Submissions (3):

Labcorp Genetics (formerly Invitae), Labcorp
Classification: Pathogenic for Zellweger spectrum disorders. Last evaluated: 2022-12-25. Review status: criteria provided, single submitter. Criteria: Invitae Variant Classification Sherloc (09022015). Collection method: clinical testing. Allele origin: germline.
Comment: For these reasons, this variant has been classified as Pathogenic. ClinVar contains an entry for this variant (Variation ID: 593271). This variant has not been reported in the literature in individuals affected with PEX1-related conditions. This variant is present in population databases (rs778871894, gnomAD 0.003%). This sequence change creates a premature translational stop signal (p.Ser800Glufs*34) in the PEX1 gene. It is expected to result in an absent or disrupted protein product. Loss-of-function variants in PEX1 are known to be pathogenic (PMID: 9398847, 16086329, 16141001, 21031596, 26387595, 31831025).

Victorian Clinical Genetics Services, Murdoch Childrens Research Institute
Classification: Pathogenic for Peroxisome biogenesis disorder due to PEX1 defect. Last evaluated: 2022-06-24. Review status: criteria provided, single submitter. Criteria: ACMG Guidelines, 2015. Collection method: clinical testing. Allele origin: germline. Inheritance: Autosomal recessive inheritance. Affected: yes.
Comment: Based on the classification scheme VCGS_Germline_v1.3.4, this variant is classified as Pathogenic. Following criteria are met: 0102 - Loss of function is a known mechanism of disease in this gene and is associated with peroxisome biogenesis disorder due to PEX1 defect (MONDO#0100259). (I) 0106 - This gene is associated with autosomal recessive disease. (I) 0201 - Variant is predicted to cause nonsense-mediated decay (NMD) and loss of protein (premature termination codon is located at least 54 nucleotides upstream of the final exon-exon junction). (SP) 0251 - This variant is heterozygous. (I) 0304 - Variant is present in gnomAD (v2) <0.01 for a recessive condition (1 heterozygote, 0 homozygotes). (SP) 0701 - Other NMD-predicted variants comparable to the one identified in this case have very strong previous evidence for pathogenicity (DECIPHER). (SP) 0803 - This variant has limited previous evidence of pathogenicity in an unrelated individual. This variant has been classified as pathogenic by a clinical laboratory in ClinVar. (SP) 0905 - No published segregation evidence has been identified for this variant. (I) 1007 - No published functional evidence has been identified for this variant. (I) Legend: (SP) - Supporting pathogenic, (I) - Information, (SB) - Supporting benign

Eurofins Ntd Llc (ga)
Classification: Pathogenic. Last evaluated: 2017-07-17. Review status: criteria provided, single submitter. Criteria: EGL Classification Definitions 2015. Collection method: clinical testing. Allele origin: germline. Observed: 1 variant allele, 1 heterozygote.

Literature cited by the submitters: PubMed 9398847 (cited by Labcorp Genetics (formerly Invitae), Labcorp); PubMed 16086329 (cited by Labcorp Genetics (formerly Invitae), Labcorp); PubMed 16141001 (cited by Labcorp Genetics (formerly Invitae), Labcorp); PubMed 21031596 (cited by Labcorp Genetics (formerly Invitae), Labcorp); PubMed 26387595 (cited by Labcorp Genetics (formerly Invitae), Labcorp); PubMed 31831025 (cited by Labcorp Genetics (formerly Invitae), Labcorp).

NM_000466.3(PEX1):c.2396dup (p.Ser800fs)

Gene: PEX1 (peroxisomal biogenesis factor 1; minus strand). Cytogenetic location: 7q21.2.
Variant type: Duplication.
Coding change: c.2396dup on transcript NM_000466.3 (MANE Select); coding-DNA position 2396, one base duplicated (A; older notation c.2396dupA).
Protein change: p.Ser800fs; shifts the reading frame from serine 800.
Molecular consequence: frameshift variant.
Genome position (GRCh38, 1-based): chr7:92,501,910, T duplicated on the plus strand (A on the coding strand, the reverse complement: PEX1 is on the minus strand). VCF-style (leftmost placement, unchanged base first): chr7-92501909-C-CT. GRCh37 (hg19) VCF-style: chr7-92131223-C-CT.
Other names: c.2225dup, p.Ser743fs (NM_001282677.2); c.1772dup, p.Ser592fs (NM_001282678.2); short protein forms S743fs, S800fs, S592fs.
Identifiers: ClinVar variation 593271 (VCV000593271.12), dbSNP rs778871894, ClinGen allele CA4341138.
Genomic context (GRCh38, chr7:92,501,909, plus strand): 5'-GAAAGAAGATTCCAAGTTCAGGTTTTAATAGTAAAACATACTTTCTCTGGTGGATATACT[C>CT]TGACGAGAGAGTCGAGAATGTATGGCTCGATCCACAAGTACTGTAAAATCTCTAGCCACA-3'